The following is an entry in ClinVar:

NM_000350.3(ABCA4):c.5199G>A (p.Met1733Ile)

Gene: ABCA4 (ATP binding cassette subfamily A member 4; minus strand). Cytogenetic location: 1p22.1.
Variant type: single nucleotide variant.
Coding change: c.5199G>A on transcript NM_000350.3 (MANE Select); coding-DNA position 5199, G replaced by A.
Protein change: p.Met1733Ile; replaces methionine 1733 with isoleucine.
Molecular consequence: missense variant.
Genome position (GRCh38, 1-based): chr1:94,015,852, C>T on the plus strand (G>A on the coding strand, the complement: ABCA4 is on the minus strand). VCF-style: chr1-94015852-C-T. GRCh37 (hg19) VCF-style: chr1-94481408-C-T.
Other names: c.4977G>A, p.Met1659Ile (NM_001425324.1); short protein forms M1733I, M1659I.
Identifiers: ClinVar variation 1977121 (VCV001977121.4), dbSNP rs1193466111, ClinGen allele CA341281810.

ClinVar aggregate classification (germline): Uncertain significance. Review status: criteria provided, multiple submitters, no conflicts (2 of 4 stars). 2 submissions from 2 submitters: Uncertain significance (2). Last evaluated 2022-09-14.

Submissions (2):

Blueprint Genetics
Classification: Uncertain significance. Last evaluated: 2022-09-14. Review status: criteria provided, single submitter. Criteria: ACMG Guidelines, 2015. Collection method: clinical testing. Allele origin: germline.

Labcorp Genetics (formerly Invitae), Labcorp
Classification: Uncertain significance. Last evaluated: 2021-12-27. Review status: criteria provided, single submitter. Criteria: Invitae Variant Classification Sherloc (09022015). Collection method: clinical testing. Allele origin: germline.
Comment: This sequence change replaces methionine, which is neutral and non-polar, with isoleucine, which is neutral and non-polar, at codon 1733 of the ABCA4 protein (p.Met1733Ile). The frequency data for this variant in the population databases is considered unreliable, as metrics indicate poor data quality at this position in the gnomAD database. This variant has not been reported in the literature in individuals affected with ABCA4-related conditions. Algorithms developed to predict the effect of missense changes on protein structure and function output the following: SIFT: "Tolerated"; PolyPhen-2: "Benign"; Align-GVGD: "Class C0". The isoleucine amino acid residue is found in multiple mammalian species, which suggests that this missense change does not adversely affect protein function. In summary, the available evidence is currently insufficient to determine the role of this variant in disease. Therefore, it has been classified as a Variant of Uncertain Significance.